The following is an entry in ClinVar:

NM_020338.4(ZMIZ1):c.2468G>A (p.Arg823Gln)

Gene: ZMIZ1 (zinc finger MIZ-type containing 1; plus strand). Cytogenetic location: 10q22.3.
Variant type: single nucleotide variant.
Coding change: c.2468G>A on transcript NM_020338.4 (MANE Select); coding-DNA position 2468, G replaced by A.
Protein change: p.Arg823Gln; replaces arginine 823 with glutamine.
Molecular consequence: missense variant.
Genome position (GRCh38, 1-based): chr10:79,306,144, G>A. VCF-style: chr10-79306144-G-A. GRCh37 (hg19) VCF-style: chr10-81065901-G-A.
Other names: short protein forms R823Q.
Identifiers: ClinVar variation 2393210 (VCV002393210.4), dbSNP rs945709533, ClinGen allele CA210221227.

ClinVar aggregate classification (germline): Uncertain significance. Review status: criteria provided, multiple submitters, no conflicts (2 of 4 stars). 2 submissions from 2 submitters: Uncertain significance (2). Last evaluated 2025-03-05.

Conditions:
Inborn genetic diseases. Identifiers: MedGen C0950123, MeSH D030342.

gnomAD v4.1: 8 of 1,613,880 alleles (0.0005%); highest among the groups gnomAD compares: Admixed American, 0.0033%; no homozygotes.

Submissions (2):

Labcorp Genetics (formerly Invitae), Labcorp
Classification: Uncertain significance. Last evaluated: 2025-03-05. Review status: criteria provided, single submitter. Criteria: Invitae Variant Classification Sherloc (09022015). Collection method: clinical testing. Allele origin: germline.
Comment: This sequence change replaces arginine, which is basic and polar, with glutamine, which is neutral and polar, at codon 823 of the ZMIZ1 protein (p.Arg823Gln). This variant is present in population databases (no rsID available, gnomAD 0.003%). This variant has not been reported in the literature in individuals affected with ZMIZ1-related conditions. ClinVar contains an entry for this variant (Variation ID: 2393210). Invitae Evidence Modeling of protein sequence and biophysical properties (such as structural, functional, and spatial information, amino acid conservation, physicochemical variation, residue mobility, and thermodynamic stability) has been performed for this missense variant. However, the output from this modeling did not meet the statistical confidence thresholds required to predict the impact of this variant on ZMIZ1 protein function. In summary, the available evidence is currently insufficient to determine the role of this variant in disease. Therefore, it has been classified as a Variant of Uncertain Significance.

Ambry Genetics
Classification: Uncertain significance for Inborn genetic diseases. Last evaluated: 2022-11-17. Review status: criteria provided, single submitter. Criteria: Ambry Variant Classification Scheme 2023. Collection method: clinical testing. Allele origin: germline.